The following is an entry in ClinVar:

NM_003738.5(PTCH2):c.3083T>C (p.Ile1028Thr)

Gene: PTCH2 (patched 2; minus strand). Cytogenetic location: 1p34.1.
Variant type: single nucleotide variant.
Coding change: c.3083T>C on transcript NM_003738.5 (MANE Select); coding-DNA position 3083, T replaced by C.
Protein change: p.Ile1028Thr; replaces isoleucine 1028 with threonine.
Molecular consequence: missense variant.
Genome position (GRCh38, 1-based): chr1:44,826,281, A>G on the plus strand (T>C on the coding strand, the complement: PTCH2 is on the minus strand). VCF-style: chr1-44826281-A-G. GRCh37 (hg19) VCF-style: chr1-45291953-A-G.
Other names: c.3083T>C (NM_003738.4); c.3083T>C, p.Ile1028Thr (NM_001166292.2); short protein forms I1028T.
Identifiers: ClinVar variation 1357324 (VCV001357324.9), dbSNP rs371907442, ClinGen allele CA822813.
Genomic context (GRCh38, chr1:44,826,281, plus strand): 5'-TGGTCCCTCCCCGGGGTGCCCGTGCTCACCAGAGCCACGTGGACTGTGAACTCAACGCCA[A>G]TGCCTACAGAGGCCACAAGGATCACCACGGGGATGGCACTCAGCTTGATGCCCAGGAAAC-3'
Protein context (NP_003729.3, residues 1018-1038): PVVILVASVG[Ile1028Thr]GVEFTVHVAL

ClinVar aggregate classification (germline): Uncertain significance. Review status: criteria provided, multiple submitters, no conflicts (2 of 4 stars). 2 submissions from 2 submitters: Uncertain significance (2). Last evaluated 2025-05-05.

Conditions:
Gorlin syndrome. Also called: Basal cell nevus syndrome; Nevoid Basal Cell Carcinoma Syndrome. Identifiers: Orphanet 377, MedGen C0004779, MONDO:0007187.

Allele frequency attached by ClinVar (database versions not stated): gnomAD exomes below 0.00001; ExAC 0.00001.
gnomAD v4.1: 6 of 1,614,144 alleles (0.00037%); highest among the groups gnomAD compares: South Asian, 0.0022%; no homozygotes.

Submissions (2):

Labcorp Genetics (formerly Invitae), Labcorp
Classification: Uncertain significance for Gorlin syndrome. Last evaluated: 2025-05-05. Review status: criteria provided, single submitter. Criteria: Invitae Variant Classification Sherloc (09022015). Collection method: clinical testing. Allele origin: germline.
Comment: This sequence change replaces isoleucine, which is neutral and non-polar, with threonine, which is neutral and polar, at codon 1028 of the PTCH2 protein (p.Ile1028Thr). This variant is present in population databases (rs371907442, gnomAD 0.003%). This variant has not been reported in the literature in individuals affected with PTCH2-related conditions. ClinVar contains an entry for this variant (Variation ID: 1357324). Invitae Evidence Modeling of protein sequence and biophysical properties (such as structural, functional, and spatial information, amino acid conservation, physicochemical variation, residue mobility, and thermodynamic stability) indicates that this missense variant is not expected to disrupt PTCH2 protein function with a negative predictive value of 80%. In summary, the available evidence is currently insufficient to determine the role of this variant in disease. Therefore, it has been classified as a Variant of Uncertain Significance.

Ambry Genetics
Classification: Uncertain significance. Last evaluated: 2024-05-13. Review status: criteria provided, single submitter. Criteria: Ambry Variant Classification Scheme 2023. Collection method: clinical testing. Allele origin: germline.